The following is an entry in ClinVar:

ClinVar aggregate classification (germline): Likely benign. Review status: criteria provided, multiple submitters, no conflicts (2 of 4 stars). 3 submissions from 3 submitters: Likely benign (3). Last evaluated 2021-10-08.

Conditions:
Pitt-Hopkins-like syndrome 2 (PTHSL2). Identifiers: Orphanet 221150, Orphanet 600663, MedGen C3280479, MONDO:0013690, OMIM 614325.
Chromosome 2p16.3 deletion syndrome. Identifiers: MedGen C3808494, MONDO:0013696, OMIM 614332.

Allele frequency attached by ClinVar (database versions not stated): gnomAD exomes 0.00084; gnomAD 0.00903 and 0.00970; 1000 Genomes Project 0.00978; 1000 Genomes Project 30x 0.00984; TOPMed 0.01000.
gnomAD v4.1: 2,441 of 1,378,628 alleles (0.18%); highest among the groups gnomAD compares: African/African-American, 3.3%; 39 homozygotes.

Submissions (3):

Fulgent Genetics
Classification: Likely benign for Pitt-Hopkins-like syndrome 2; Chromosome 2p16.3 deletion syndrome. Last evaluated: 2021-10-08. Review status: criteria provided, single submitter. Criteria: ACMG Guidelines, 2015. Collection method: clinical testing. Allele origin: unknown.

GeneDx
Classification: Likely benign. Last evaluated: 2018-06-19. Review status: criteria provided, single submitter. Criteria: GeneDx Variant Classification (06012015). Collection method: clinical testing. Allele origin: germline. Affected: yes.
Comment: This variant is considered likely benign or benign based on one or more of the following criteria: it is a conservative change, it occurs at a poorly conserved position in the protein, it is predicted to be benign by multiple in silico algorithms, and/or has population frequency not consistent with disease.

Breakthrough Genomics
Classification: Likely benign. Review status: criteria provided, single submitter. Criteria: ACMG Guidelines, 2015. Collection method: not provided. Allele origin: germline. Inheritance: Autosomal recessive inheritance. Affected: yes.

NM_001330078.2(NRXN1):c.3365-110075G>A

Gene: NRXN1 (neurexin 1; minus strand). Cytogenetic location: 2p16.3.
Variant type: single nucleotide variant.
Coding change: c.3365-110075G>A on transcript NM_001330078.2 (MANE Select); 110075 bases into the intron before coding-DNA position 3365, G replaced by A.
Molecular consequence: intron variant. On other transcripts: 5 prime UTR variant (4).
Genome position (GRCh38, 1-based): chr2:50,347,045, C>T on the plus strand (G>A on the coding strand, the complement: NRXN1 is on the minus strand). VCF-style: chr2-50347045-C-T. GRCh37 (hg19) VCF-style: chr2-50574183-C-T.
Other names: c.-96G>A (NM_001330091.2, NM_001330092.2, NM_001330097.2 and 1 more transcripts); c.3254-110075G>A (NM_001330096.2, NM_001330087.2); c.3299-110075G>A (NM_001330083.2, NM_001330084.2); c.3284-110075G>A (NM_001330088.2); c.3362-110075G>A (NM_001330093.2); c.3353-110075G>A (NM_001330094.2); c.3314-110075G>A (NM_001330095.2); c.3341-110075G>A (NM_001330082.2, NM_001330077.2); and 3 more.
Identifiers: ClinVar variation 673179 (VCV000673179.3), dbSNP rs189873392, ClinGen allele CA47914147.